The following is an entry in ClinVar:

ClinVar aggregate classification (germline): Uncertain significance (1 of 4 stars; one submission).

gnomAD v4.1: 2 of 1,613,568 alleles (0.00012%); highest among the groups gnomAD compares: East Asian, 0.0022%; no homozygotes.

Submission:

GeneDx
Classification: Uncertain significance. Last evaluated: 2023-11-29. Review status: criteria provided, single submitter. Criteria: GeneDx Variant Classification Process June 2021. Collection method: clinical testing. Allele origin: germline. Affected: yes.
Comment: Has not been previously published as pathogenic or benign to our knowledge; Not observed at significant frequency in large population cohorts (gnomAD); In silico analysis supports that this missense variant does not alter protein structure/function

NM_001080449.3(DNA2):c.199G>A (p.Val67Ile)

Gene: DNA2 (DNA replication helicase/nuclease 2; minus strand). Cytogenetic location: 10q21.3.
Variant type: single nucleotide variant.
Coding change: c.199G>A on transcript NM_001080449.3 (MANE Select); coding-DNA position 199, G replaced by A.
Protein change: p.Val67Ile; replaces valine 67 with isoleucine.
Molecular consequence: missense variant. On other transcripts: non-coding transcript variant (1).
Genome position (GRCh38, 1-based): chr10:68,470,039, C>T on the plus strand (G>A on the coding strand, the complement: DNA2 is on the minus strand). VCF-style: chr10-68470039-C-T. GRCh37 (hg19) VCF-style: chr10-70229796-C-T.
Other names: short protein forms V67I.
Identifiers: ClinVar variation 3364846 (VCV003364846.1).